The following is an entry in ClinVar:

ClinVar aggregate classification (germline): Conflicting classifications of pathogenicity. Review status: criteria provided, conflicting classifications (1 of 4 stars). 3 submissions from 3 submitters: Likely pathogenic (1); Uncertain significance (2). Last evaluated 2025-11-11.

Conditions:
Congenital bile acid synthesis defect 1 (CBAS1). Also called: 3-BETA-HYDROXY-DELTA-5-C27-STEROID OXIDOREDUCTASE DEFICIENCY. Identifiers: Orphanet 79301, MedGen C1843116, MONDO:0011906, OMIM 607765.
HSD3B7-related disorder. Also called: HSD3B7-related condition.

Allele frequency attached by ClinVar (database versions not stated): gnomAD 0.00001; gnomAD exomes 0.00001 and 0.00002; TOPMed 0.00002.

Submissions (3):

PreventionGenetics, part of Exact Sciences
Classification: Likely pathogenic for HSD3B7-related condition. Last evaluated: 2025-11-11. Review status: criteria provided, single submitter. Criteria: ACMG Guidelines, 2015. Collection method: clinical testing. Allele origin: germline.
Comment: The HSD3B7 c.1031A>G variant is predicted to result in the amino acid substitution p.Tyr344Cys. This variant was reported in the homozygous state in two individuals of presumably different descents with HSD3B7-deficiency (Rinawi et al. 2015. PubMed ID: 25946774; Zhao et al. 2021. PubMed ID: 34627351 and the same patient reviewed by Zhang et al. 2022. PubMed ID: 35363177). This variant is reported in 0.040% of alleles in individuals of Ashkenazi Jewish descent in gnomAD. This variant is interpreted as likely pathogenic.

Fulgent Genetics
Classification: Uncertain significance for Congenital bile acid synthesis defect 1. Last evaluated: 2022-01-12. Review status: criteria provided, single submitter. Criteria: ACMG Guidelines, 2015. Collection method: clinical testing. Allele origin: unknown.

New York Genome Center
Classification: Uncertain significance for Congenital bile acid synthesis defect 1. Last evaluated: 2021-03-01. Review status: criteria provided, single submitter. Criteria: NYGC Assertion Criteria 2020. Collection method: clinical testing. Allele origin: inherited. Observed: 1 heterozygote. Study: CSER-NYCKidSeq.

NM_025193.4(HSD3B7):c.1031A>G (p.Tyr344Cys)

Gene: HSD3B7 (hydroxy-delta-5-steroid dehydrogenase, 3 beta- and steroid delta-isomerase 7; plus strand). Cytogenetic location: 16p11.2.
Variant type: single nucleotide variant.
Coding change: c.1031A>G on transcript NM_025193.4 (MANE Select); coding-DNA position 1031, A replaced by G.
Protein change: p.Tyr344Cys; replaces tyrosine 344 with cysteine.
Molecular consequence: missense variant. On other transcripts: 3 prime UTR variant (2).
Genome position (GRCh38, 1-based): chr16:30,988,104, A>G. VCF-style: chr16-30988104-A-G. GRCh37 (hg19) VCF-style: chr16-30999425-A-G.
Other names: c.*277A>G (NM_001142777.2, NM_001142778.2); c.1031A>G (NM_025193.3); short protein forms Y344C.
Identifiers: ClinVar variation 1342314 (VCV001342314.3), dbSNP rs907386068, ClinGen allele CA280563460.